The following is an entry in ClinVar:

ClinVar aggregate classification (germline): Pathogenic (1 of 4 stars; one submission).

Conditions:
Neurodegeneration with brain iron accumulation 5 (NBIA5). Also called: STATIC ENCEPHALOPATHY OF CHILDHOOD WITH NEURODEGENERATION IN ADULTHOOD; Beta-propeller protein-associated neurodegeneration. Identifiers: Orphanet 329284, MedGen C3550973, MONDO:0010476, OMIM 300894.

Submission:

Labcorp Genetics (formerly Invitae), Labcorp
Classification: Pathogenic for Neurodegeneration with brain iron accumulation 5. Last evaluated: 2024-05-17. Review status: criteria provided, single submitter. Criteria: Invitae Variant Classification Sherloc (09022015). Collection method: clinical testing. Allele origin: germline.
Comment: This sequence change creates a premature translational stop signal (p.Cys328*) in the WDR45 gene. While this is not anticipated to result in nonsense mediated decay, it is expected to disrupt the last 34 amino acid(s) of the WDR45 protein. This variant is not present in population databases (gnomAD no frequency). This variant has not been reported in the literature in individuals affected with WDR45-related conditions. Algorithms developed to predict the effect of sequence changes on RNA splicing suggest that this variant may disrupt the consensus splice site. This variant disrupts a region of the WDR45 protein in which other variant(s) (p.Glu347Glyfs*7) have been determined to be pathogenic (PMID: 31332960). This suggests that this is a clinically significant region of the protein, and that variants that disrupt it are likely to be disease-causing. For these reasons, this variant has been classified as Pathogenic.

Literature cited by the submitters: PubMed 31332960.

NM_001029896.2(WDR45):c.981C>A (p.Cys327Ter)

Gene: WDR45 (WD repeat domain 45; minus strand). Cytogenetic location: Xp11.23.
Variant type: single nucleotide variant.
Coding change: c.981C>A on transcript NM_001029896.2 (MANE Select); coding-DNA position 981, C replaced by A.
Protein change: p.Cys327Ter; replaces cysteine 327 with a stop codon.
Molecular consequence: nonsense.
Genome position (GRCh38, 1-based): chrX:49,074,905, G>T on the plus strand (C>A on the coding strand, the complement: WDR45 is on the minus strand). VCF-style: chrX-49074905-G-T. GRCh37 (hg19) VCF-style: chrX-48932564-G-T.
Other names: c.984C>A, p.Cys328Ter (NM_007075.4); short protein forms C328*, C327*.
Identifiers: ClinVar variation 3653729 (VCV003653729.2).